The following is an entry in ClinVar:

ClinVar aggregate classification (germline): Pathogenic/Likely pathogenic. Review status: criteria provided, multiple submitters, no conflicts (2 of 4 stars). 6 submissions from 6 submitters: Pathogenic (3); Likely pathogenic (3). Last evaluated 2025-05-19.

Conditions:
Fraser syndrome 1 (FRASRS1). Also called: CRYPTOPHTHALMOS WITH OTHER MALFORMATIONS. Identifiers: Orphanet 2052, MedGen C4551480, MONDO:0054737, OMIM 219000.

Allele frequency attached by ClinVar (database versions not stated): gnomAD exomes below 0.00001; ExAC 0.00001.

Submissions (6):

Variantyx, Inc.
Classification: Likely pathogenic for Fraser syndrome 1. Last evaluated: 2025-05-19. Review status: criteria provided, single submitter. Criteria: Variantyx Assertion Criteria 2022. Collection method: clinical testing. Allele origin: germline. Inheritance: Autosomal recessive inheritance. Affected: yes.
Comment: This is a nonsense variant in the FRAS1 gene (OMIM: 607830). Pathogenic variants in this gene have been associated with autosomal recessive Fraser syndrome 1. This variant introduces a premature termination codon in exon 38 out of 74 and is expected to result in loss of function, which is a known disease mechanism for FRAS1 in this disorder (PMID: 12766769, 18671281) (PVS1). This variant has a 0.0022% maximum allele frequency in non-founder control populations (PM2). Based on the current evidence, this variant is classified as likely pathogenic for autosomal recessive Fraser syndrome 1.

Labcorp Genetics (formerly Invitae), Labcorp
Classification: Pathogenic. Last evaluated: 2023-04-25. Review status: criteria provided, single submitter. Criteria: Invitae Variant Classification Sherloc (09022015). Collection method: clinical testing. Allele origin: germline.
Comment: For these reasons, this variant has been classified as Pathogenic. Algorithms developed to predict the effect of sequence changes on RNA splicing suggest that this variant may disrupt the consensus splice site. ClinVar contains an entry for this variant (Variation ID: 499147). This variant has not been reported in the literature in individuals affected with FRAS1-related conditions. This variant is present in population databases (rs775517752, gnomAD 0.007%). This sequence change creates a premature translational stop signal (p.Arg1709*) in the FRAS1 gene. It is expected to result in an absent or disrupted protein product. Loss-of-function variants in FRAS1 are known to be pathogenic (PMID: 12766769, 18671281).

Fulgent Genetics
Classification: Likely pathogenic for Fraser syndrome 1. Last evaluated: 2021-10-22. Review status: criteria provided, single submitter. Criteria: ACMG Guidelines, 2015. Collection method: clinical testing. Allele origin: unknown.

CeGaT Center for Human Genetics Tuebingen
Classification: Likely pathogenic. Last evaluated: 2020-07-01. Review status: criteria provided, single submitter. Criteria: CeGaT Center For Human Genetics Tuebingen Variant Classification Criteria Version 2. Collection method: clinical testing. Allele origin: germline. Affected: yes. Observed: 1 variant allele.

Baylor Genetics
Classification: Pathogenic for Fraser syndrome 1. Last evaluated: 2019-09-22. Review status: criteria provided, single submitter. Criteria: ACMG Guidelines, 2015. Collection method: clinical testing. Allele origin: unknown. Affected: yes.
Comment: This variant was determined to be pathogenic according to ACMG Guidelines, 2015 [PMID:25741868]. In a study examining fetuses with biallelic FRAS1 pathogenic variants, 9/26 cases presented hydrops [PMID:27859469].

Eurofins Ntd Llc (ga)
Classification: Pathogenic. Last evaluated: 2016-12-08. Review status: criteria provided, single submitter. Criteria: EGL Classification Definitions 2015. Collection method: clinical testing. Allele origin: germline. Observed: 1 variant allele, 1 heterozygote.

Literature cited by the submitters: PubMed 12766769 (cited by Variantyx, Inc. and Labcorp Genetics (formerly Invitae), Labcorp); PubMed 18671281 (cited by Variantyx, Inc. and Labcorp Genetics (formerly Invitae), Labcorp); PubMed 27859469 (cited by Baylor Genetics).

NM_025074.7(FRAS1):c.5125C>T (p.Arg1709Ter)

Gene: FRAS1 (Fraser extracellular matrix complex subunit 1; plus strand). Cytogenetic location: 4q21.21.
Variant type: single nucleotide variant.
Coding change: c.5125C>T on transcript NM_025074.7 (MANE Select); coding-DNA position 5125, C replaced by T.
Protein change: p.Arg1709Ter; replaces arginine 1709 with a stop codon.
Molecular consequence: nonsense.
Genome position (GRCh38, 1-based): chr4:78,432,512, C>T. VCF-style: chr4-78432512-C-T. GRCh37 (hg19) VCF-style: chr4-79353666-C-T.
Other names: c.5125C>T, p.Arg1709Ter (NM_001166133.2); short protein forms R1709*.
Identifiers: ClinVar variation 499147 (VCV000499147.48), dbSNP rs775517752, ClinGen allele CA2977423.